The following is an entry in ClinVar:

ClinVar aggregate classification (germline): Likely benign. Review status: criteria provided, multiple submitters, no conflicts (2 of 4 stars). 3 submissions from 3 submitters: Likely benign (3). Last evaluated 2025-12-03.

Conditions:
Autosomal recessive limb-girdle muscular dystrophy type 2J (LGMDR10). Also called: MUSCULAR DYSTROPHY, LIMB-GIRDLE, AUTOSOMAL RECESSIVE 10; Limb-girdle muscular dystrophy, type 2J. Identifiers: Orphanet 140922, MedGen C1837342, MONDO:0012127, OMIM 608807.
Dilated cardiomyopathy 1G (CMD1G). Identifiers: Orphanet 154, MedGen C1858763, MONDO:0011400, OMIM 604145.

Allele frequency attached by ClinVar (database versions not stated): ExAC 0.00002; gnomAD exomes 0.00002; gnomAD 0.00003 and 0.00004; TOPMed 0.00005; ESP Exome Variant Server 0.00009.
gnomAD v4.1: 23 of 1,613,076 alleles (0.0014%); highest among the groups gnomAD compares: African/African-American, 0.004%; no homozygotes.

Submissions (3):

Labcorp Genetics (formerly Invitae), Labcorp
Classification: Likely benign for Dilated cardiomyopathy 1G; Autosomal recessive limb-girdle muscular dystrophy type 2J. Last evaluated: 2025-12-03. Review status: criteria provided, single submitter. Criteria: Invitae Variant Classification Sherloc (09022015). Collection method: clinical testing. Allele origin: germline.

Blueprint Genetics
Classification: Likely benign. Last evaluated: 2020-12-15. Review status: criteria provided, single submitter. Criteria: ACMG Guidelines, 2015. Collection method: clinical testing. Allele origin: germline.

GeneDx
Classification: Likely benign. Last evaluated: 2016-11-22. Review status: criteria provided, single submitter. Criteria: GeneDx Variant Classification (06012015). Collection method: clinical testing. Allele origin: germline. Affected: yes.
Comment: This variant is considered likely benign or benign based on one or more of the following criteria: it is a conservative change, it occurs at a poorly conserved position in the protein, it is predicted to be benign by multiple in silico algorithms, and/or has population frequency not consistent with disease.

NM_001267550.2(TTN):c.39295+16T>C

Gene: TTN (titin; minus strand). Cytogenetic location: 2q31.2.
Variant type: single nucleotide variant.
Coding change: c.39295+16T>C on transcript NM_001267550.2 (MANE Select); 16 bases into the intron after coding-DNA position 39295, T replaced by C.
Molecular consequence: intron variant.
Genome position (GRCh38, 1-based): chr2:178,652,080, A>G on the plus strand (T>C on the coding strand, the complement: TTN is on the minus strand). VCF-style: chr2-178652080-A-G. GRCh37 (hg19) VCF-style: chr2-179516807-A-G.
Other names: c.13283-9763T>C (NM_003319.4); c.13859-9763T>C (NM_133437.4); c.13658-9763T>C (NM_133432.3); c.31993+16T>C (NM_133378.4); c.34774+16T>C (NM_001256850.1).
Identifiers: ClinVar variation 378815 (VCV000378815.10), dbSNP rs371747911, ClinGen allele CA1996787.
Genomic context (GRCh38, chr2:178,652,080, plus strand): 5'-TTTGCAAAAAAATGTTTTTACAACACTAAGGAAAGATTTTTTTAAAAAACACTAATTTGA[A>G]TAGTTTCATTATTACCTTCAGGGGGAGGACTTTCCGGTTTGGGAGGAATAGCTTCAGGCA-3'